The following is an entry in ClinVar:

ClinVar aggregate classification (somatic clinical impact): Tier II - Potential (1 of 4 stars; one submission).
ClinVar aggregate classification (oncogenicity): Likely oncogenic (1 of 4 stars; one submission).

Conditions:
Rhabdomyosarcoma. Also called: Rhabdomyosarcoma (disease). Identifiers: Orphanet 780, MedGen C0035412, MeSH D012208, MONDO:0005212, HP:0002859.
Neoplasm. Also called: Neoplasms; Neoplasm (disease); tumor. Identifiers: MedGen C0027651, MeSH D009369, MONDO:0005070, HP:0002664.

Submissions (2):

Center for Genomic Medicine, Rigshospitalet, Copenhagen University Hospital
Classification: Likely oncogenic for Neoplasm. Last evaluated: 2025-12-29. Review status: criteria provided, single submitter. Criteria: ClinGen/CGC/VICC Guidelines for Oncogenicity, 2022. Collection method: clinical testing. Allele origin: somatic. Affected: yes.

Institute for Genomic Medicine (IGM) Clinical Laboratory, Nationwide Children's Hospital
Classification: Tier II - Potential for Rhabdomyosarcoma. Assertion type: diagnostic. Clinical significance: supports diagnosis. Last evaluated: 2024-11-19. Review status: criteria provided, single submitter. Criteria: AMP/ASCO/CAP Guidelines, 2017. Collection method: clinical testing. Allele origin: somatic. Affected: yes.
Comment: Variant has Tier II (potential) clinical significance as a diagnostic inclusion criterion in rhabdomyosarcoma, based on the following evidence: 1) Documented in one or more cancer databases (e.g., St. Jude Pecan, COSMIC, CIViC, OncoKB). 2) Information in the literature supports potential biologic effect of variant (PMIDs: 20852131, 22077063, 23734977). 3) Assists in diagnosis alone or along with other biomarkers based on small studies or few case reports (Evidence Level D; PMIDs: 28614716, 21177409, 26343114, 35705558).

Literature cited by the submitters: PubMed 11003647 (cited by Center for Genomic Medicine, Rigshospitalet, Copenhagen University Hospital); PubMed 20852131 (cited by Institute for Genomic Medicine (IGM) Clinical Laboratory, Nationwide Children's Hospital); PubMed 22077063 (cited by Institute for Genomic Medicine (IGM) Clinical Laboratory, Nationwide Children's Hospital); PubMed 23734977 (cited by Institute for Genomic Medicine (IGM) Clinical Laboratory, Nationwide Children's Hospital); PubMed 28614716 (cited by Institute for Genomic Medicine (IGM) Clinical Laboratory, Nationwide Children's Hospital); PubMed 21177409 (cited by Institute for Genomic Medicine (IGM) Clinical Laboratory, Nationwide Children's Hospital); PubMed 26343114 (cited by Institute for Genomic Medicine (IGM) Clinical Laboratory, Nationwide Children's Hospital); PubMed 35705558 (cited by Institute for Genomic Medicine (IGM) Clinical Laboratory, Nationwide Children's Hospital).

NM_017617.5(NOTCH1):c.7005_7021del (p.Ser2336fs)

Gene: NOTCH1 (notch receptor 1; minus strand). Cytogenetic location: 9q34.3.
Variant type: Deletion.
Coding change: c.7005_7021del on transcript NM_017617.5 (MANE Select); coding-DNA positions 7005 to 7021, 17 bases deleted (GAGCACACAGGCCCCCT).
Protein change: p.Ser2336fs; shifts the reading frame from serine 2336.
Molecular consequence: frameshift variant.
Genome position (GRCh38, 1-based): chr9:136,496,718-136,496,734, AGGGGGCCTGTGTGCTC deleted on the plus strand (GAGCACACAGGCCCCCT on the coding strand, the reverse complement: NOTCH1 is on the minus strand); deleting any 17 consecutive bases within chr9:136,496,718-136,496,744 gives the same sequence; the c. name uses the placement nearest the transcript's 3' end. VCF-style (leftmost placement, unchanged base first): chr9-136496717-GAGGGGGCCTGTGTGCTC-G. GRCh37 (hg19) VCF-style: chr9-139391169-GAGGGGGCCTGTGTGCTC-G.
Other names: short protein forms S2336fs.
Identifiers: ClinVar variation 4530440 (VCV004530440.2).
Genomic context (GRCh38, chr9:136,496,717, plus strand): 5'-TGGGACAGGGCGCTGGCAGCAAGGCTACTGTGCAGCGGGCCTACCATGCCATGCTGCAGG[GAGGGGGCCTGTGTGCTC>G]AGGGGGCCTGGTGCCACACTCCCCCGCAGAGGGTTGTATTGGTTCGGCACCATGCCGCTC-3'